The following is an entry in ClinVar:

NM_004260.4(RECQL4):c.2110A>G (p.Ile704Val)

Gene: RECQL4 (RecQ like helicase 4; minus strand). Cytogenetic location: 8q24.3.
Variant type: single nucleotide variant.
Coding change: c.2110A>G on transcript NM_004260.4 (MANE Select); coding-DNA position 2110, A replaced by G.
Protein change: p.Ile704Val; replaces isoleucine 704 with valine.
Molecular consequence: missense variant. On other transcripts: non-coding transcript variant (2).
Genome position (GRCh38, 1-based): chr8:144,513,661, T>C on the plus strand (A>G on the coding strand, the complement: RECQL4 is on the minus strand). VCF-style: chr8-144513661-T-C. GRCh37 (hg19) VCF-style: chr8-145739045-T-C.
Other names: c.2014A>G, p.Ile672Val (NM_001413020.1, NM_001413017.1); c.1039A>G, p.Ile347Val (NM_001413021.1, NM_001413022.1, NM_001413023.1 and 6 more transcripts); c.1981A>G, p.Ile661Val (NM_001413025.1); c.973A>G, p.Ile325Val (NM_001413027.1, NM_001413041.1, NM_001413030.1 and 1 more transcripts); c.1759A>G, p.Ile587Val (NM_001413029.1); c.1009A>G, p.Ile337Val (NM_001413042.1); c.643A>G, p.Ile215Val (NM_001413043.1); c.2110A>G, p.Ile704Val (NM_001413018.1, NM_001413019.1, NM_001413036.1); and 4 more; short protein forms I303V, I325V, I337V, I672V, I694V, I704V, I281V, I660V.
Identifiers: ClinVar variation 4841553 (VCV004841553.1).

ClinVar aggregate classification (germline): Uncertain significance (1 of 4 stars; one submission).

Conditions:
Inborn genetic diseases. Identifiers: MedGen C0950123, MeSH D030342.

gnomAD v4.1: 2 of 1,564,592 alleles (0.00013%); highest among the groups gnomAD compares: East Asian, 0.0024%; no homozygotes.

Submission:

Ambry Genetics
Classification: Uncertain significance for Inborn genetic diseases. Last evaluated: 2025-12-15. Review status: criteria provided, single submitter. Criteria: Ambry Variant Classification Scheme 2023. Collection method: clinical testing. Allele origin: germline.
Comment: The p.I704V variant (also known as c.2110A>G), located in coding exon 13 of the RECQL4 gene, results from an A to G substitution at nucleotide position 2110. The isoleucine at codon 704 is replaced by valine, an amino acid with highly similar properties. This amino acid position is conserved. In addition, the in silico prediction for this alteration is inconclusive. Based on the available evidence, the clinical significance of this variant remains unclear.